The following is an entry in ClinVar:

ClinVar aggregate classification (germline): Uncertain significance (1 of 4 stars; one submission).

Conditions:
KMT2D-related disorder. Also called: KMT2D-Related Disorders.

Submission:

PreventionGenetics, part of Exact Sciences
Classification: Uncertain significance for KMT2D-related condition. Last evaluated: 2022-11-24. Review status: criteria provided, single submitter. Criteria: ACMG Guidelines, 2015. Collection method: clinical testing. Allele origin: germline.
Comment: The KMT2D c.14672A>G variant is predicted to result in the amino acid substitution p.Gln4891Arg. To our knowledge, this variant has not been reported in the literature or in a large population database, indicating this variant is rare. At this time, the clinical significance of this variant is uncertain due to the absence of conclusive functional and genetic evidence.

NM_003482.4(KMT2D):c.14672A>G (p.Gln4891Arg)

Gene: KMT2D (lysine methyltransferase 2D; minus strand). Cytogenetic location: 12q13.12.
Variant type: single nucleotide variant.
Coding change: c.14672A>G on transcript NM_003482.4 (MANE Select); coding-DNA position 14672, A replaced by G.
Protein change: p.Gln4891Arg; replaces glutamine 4891 with arginine.
Molecular consequence: missense variant.
Genome position (GRCh38, 1-based): chr12:49,027,294, T>C on the plus strand (A>G on the coding strand, the complement: KMT2D is on the minus strand). VCF-style: chr12-49027294-T-C. GRCh37 (hg19) VCF-style: chr12-49421077-T-C.
Other names: short protein forms Q4891R.
Identifiers: ClinVar variation 2629025 (VCV002629025.1), dbSNP rs2120371131, ClinGen allele CA384692313.
Genomic context (GRCh38, chr12:49,027,294, plus strand): 5'-GGAGGTGGGGCCGAGAGCTGTCGCACATCCAGATTGGAGACATTGTAGGTATAGCTGTGC[T>C]GAGTGGGTGGCTCTGGGGCGGGGCTCTCCTGTAGGAGGGTGCCCTGTATCATTAGTGCCA-3'
Protein context (NP_003473.3, residues 4881-4901): QESPAPEPPT[Gln4891Arg]HSYTYNVSNL